The following is an entry in ClinVar:

NM_000238.4(KCNH2):c.1129-2_1145dup

Gene: KCNH2 (potassium voltage-gated channel subfamily H member 2; minus strand). Cytogenetic location: 7q36.1.
Variant type: Duplication.
Coding change: c.1129-2_1145dup on transcript NM_000238.4 (MANE Select); the canonical splice acceptor site of the intron before coding-DNA position 1129 through coding-DNA position 1145, 19 bases duplicated (AGGTCCTGTCCCTGGGCGC).
Molecular consequence: splice acceptor variant.
Genome position (GRCh38, 1-based): chr7:150,952,837-150,952,855, GCGCCCAGGGACAGGACCT duplicated on the plus strand (AGGTCCTGTCCCTGGGCGC on the coding strand, the reverse complement: KCNH2 is on the minus strand); duplicating any 19 consecutive bases within chr7:150,952,837-150,952,857 gives the same sequence; the c. name uses the placement nearest the transcript's 3' end. VCF-style (leftmost placement, unchanged base first): chr7-150952836-G-GGCGCCCAGGGACAGGACCT. GRCh37 (hg19) VCF-style: chr7-150649924-G-GGCGCCCAGGGACAGGACCT.
Other names: c.841-2_857dup (NM_001406753.1, NM_001406756.1); c.109-2_125dup (NM_172057.3, NM_001204798.2); c.1129-2_1145dup (NM_172056.3); c.952-2_968dup (NM_001406755.1); c.829-2_845dup (NM_001406757.1).
Identifiers: ClinVar variation 961516 (VCV000961516.3), dbSNP rs1801235489, ClinGen allele CA1139660313.
Genomic context (GRCh38, chr7:150,952,836, plus strand): 5'-ATGCAGGATGGTCCAGCGGTGGATGCGCGGTGCCTGCAGCTTGTACTCAGGCAGCACGTC[G>GGCGCCCAGGGACAGGACCT]GCGCCCAGGGACAGGACCTGCACCCGGGGAAGGCGGAGGTGTGGGTGAGGCAGGCCATGG-3'

ClinVar aggregate classification (germline): Uncertain significance (1 of 4 stars; one submission).

Conditions:
Long QT syndrome (LQTS). Identifiers: MedGen C0023976, MeSH D008133, MONDO:0002442. Disease mechanism: loss of function. Inheritance: Various modes of inheritance.

Submission:

Labcorp Genetics (formerly Invitae), Labcorp
Classification: Uncertain significance for Long QT syndrome. Last evaluated: 2019-10-24. Review status: criteria provided, single submitter. Criteria: Invitae Variant Classification Sherloc (09022015). Collection method: clinical testing. Allele origin: germline.
Comment: This sequence change falls in intron 5 of the KCNH2 gene. It does not directly change the encoded amino acid sequence of the KCNH2 protein. This variant is not present in population databases (ExAC no frequency). This variant has not been reported in the literature in individuals with KCNH2-related conditions. Algorithms developed to predict the effect of sequence changes on RNA splicing suggest that this variant may create or strengthen a splice site, but this prediction has not been confirmed by published transcriptional studies. In summary, the available evidence is currently insufficient to determine the role of this variant in disease. Therefore, it has been classified as a Variant of Uncertain Significance.